The following is an entry in ClinVar:

ClinVar aggregate classification (germline): Conflicting classifications of pathogenicity. Review status: criteria provided, conflicting classifications (1 of 4 stars). 7 submissions from 6 submitters: Uncertain significance (3); Likely benign (3). 1 of the submissions does not count toward it. Last evaluated 2026-04-14.

Conditions:
Familial intrahepatic cholestasis. Identifiers: Orphanet 284385, MedGen CN296401, MONDO:0017290.
Progressive familial intrahepatic cholestasis type 3. Also called: MDR3 DEFICIENCY; Low Gamma-GT Familial Intrahepatic Cholestasis. Identifiers: Orphanet 79305, MedGen C1865643, MONDO:0011214, OMIM 602347.
Cholestasis, intrahepatic, of pregnancy, 3. Identifiers: Orphanet 69665, MedGen C3554241, MONDO:0013995, OMIM 614972.
ABCB4-related disorder. Also called: ABCB4-related disorders; ABCB4-related condition.

Allele frequency attached by ClinVar (database versions not stated): gnomAD exomes 0.00003 and 0.00007; ExAC 0.00005; TOPMed 0.00005; gnomAD 0.00006 and 0.00007; 1000 Genomes Project 30x 0.00016; 1000 Genomes Project 0.00020.
gnomAD v4.1: 55 of 1,613,538 alleles (0.0034%); highest among the groups gnomAD compares: South Asian, 0.0022%; no homozygotes.

Submissions (7):

Genomenon, Inc
Classification: Likely benign for Familial intrahepatic cholestasis. Last evaluated: 2026-04-14. Review status: criteria provided, single submitter. Criteria: Genomenon Sequence Variant Interpretation Standards - Updated. Collection method: curation. Allele origin: germline. Affected: yes.
Comment: ABCB4 c.3285C>T is a synonymous variant that retains Leucine at residue 1095. This variant has been observed in at least one proband with an ABCB4-related disorder (PMID:38343606). It is absent or not present at a significant frequency in gnomAD. This synonymous variant is not predicted to impact splicing. In conclusion, we classify ABCB4 p.Leu1095= (c.3285C>T) as a likely benign variant.

Labcorp Genetics (formerly Invitae), Labcorp
Classification: Likely benign. Last evaluated: 2026-01-19. Review status: criteria provided, single submitter. Criteria: Invitae Variant Classification Sherloc (09022015). Collection method: clinical testing. Allele origin: germline.

Illumina Laboratory Services, Illumina
Classification: Uncertain significance for Progressive familial intrahepatic cholestasis type 3. Last evaluated: 2018-01-13. Review status: criteria provided, single submitter. Criteria: ICSL Variant Classification Criteria 13 December 2019. Collection method: clinical testing. Allele origin: germline.

Illumina Laboratory Services, Illumina
Classification: Uncertain significance for Cholestasis, intrahepatic, of pregnancy, 3. Last evaluated: 2018-01-13. Review status: criteria provided, single submitter. Criteria: ICSL Variant Classification Criteria 13 December 2019. Collection method: clinical testing. Allele origin: germline.

Eurofins Ntd Llc (ga)
Classification: Uncertain significance. Last evaluated: 2017-08-22. Review status: criteria provided, single submitter. Criteria: EGL Classification Definitions 2015. Collection method: clinical testing. Allele origin: germline. Observed: 2 variant alleles, 2 heterozygotes.

GeneDx
Classification: Likely benign. Last evaluated: 2016-07-26. Review status: criteria provided, single submitter. Criteria: GeneDx Variant Classification (06012015). Collection method: clinical testing. Allele origin: germline. Affected: yes.
Comment: This variant is considered likely benign or benign based on one or more of the following criteria: it is a conservative change, it occurs at a poorly conserved position in the protein, it is predicted to be benign by multiple in silico algorithms, and/or has population frequency not consistent with disease.

PreventionGenetics, part of Exact Sciences
Classification: Likely benign for ABCB4-related condition. Last evaluated: 2022-07-05. Review status: no assertion criteria provided. Collection method: clinical testing. Allele origin: germline. Not counted in ClinVar's aggregate classification.
Comment: This variant is classified as likely benign based on ACMG/AMP sequence variant interpretation guidelines (Richards et al. 2015 PMID: 25741868, with internal and published modifications).

Literature cited by the submitters: PubMed 38343606 (cited by Genomenon, Inc).

NM_000443.4(ABCB4):c.3285C>T (p.Leu1095=)

Gene: ABCB4 (ATP binding cassette subfamily B member 4; minus strand). Cytogenetic location: 7q21.12.
Variant type: single nucleotide variant.
Coding change: c.3285C>T on transcript NM_000443.4 (MANE Select); coding-DNA position 3285, C replaced by T.
Protein change: p.Leu1095=; no amino-acid change (leucine 1095 retained).
Molecular consequence: synonymous variant.
Genome position (GRCh38, 1-based): chr7:87,406,489, G>A on the plus strand (C>T on the coding strand, the complement: ABCB4 is on the minus strand). VCF-style: chr7-87406489-G-A. GRCh37 (hg19) VCF-style: chr7-87035805-G-A.
Other names: c.3306C>T, p.Leu1102= (NM_018849.3); c.3144C>T, p.Leu1048= (NM_018850.3).
Identifiers: ClinVar variation 360791 (VCV000360791.15), dbSNP rs561612231, ClinGen allele CA4326799.